The following is an entry in ClinVar:

ClinVar aggregate classification (germline): Pathogenic (1 of 4 stars; one submission).

Conditions:
Combined oxidative phosphorylation defect type 17. Also called: Combined oxidative phosphorylation deficiency 17. Identifiers: Orphanet 369913, MedGen C3809526, MONDO:0014190, OMIM 615440.

Submission:

Labcorp Genetics (formerly Invitae), Labcorp
Classification: Pathogenic for Combined oxidative phosphorylation defect type 17. Last evaluated: 2024-06-15. Review status: criteria provided, single submitter. Criteria: Invitae Variant Classification Sherloc (09022015). Collection method: clinical testing. Allele origin: germline.
Comment: This sequence change creates a premature translational stop signal (p.Met760Cysfs*4) in the ELAC2 gene. While this is not anticipated to result in nonsense mediated decay, it is expected to disrupt the last 67 amino acid(s) of the ELAC2 protein. This variant is not present in population databases (gnomAD no frequency). This variant has not been reported in the literature in individuals affected with ELAC2-related conditions. This variant disrupts a region of the ELAC2 protein in which other variant(s) (p.Arg781His) have been determined to be pathogenic (PMID: 31045291). This suggests that this is a clinically significant region of the protein, and that variants that disrupt it are likely to be disease-causing. For these reasons, this variant has been classified as Pathogenic.

Literature cited by the submitters: PubMed 31045291.

NM_018127.7(ELAC2):c.2278del (p.Met760fs)

Gene: ELAC2 (elaC ribonuclease Z 2; minus strand). Cytogenetic location: 17p12.
Variant type: Deletion.
Coding change: c.2278del on transcript NM_018127.7 (MANE Select); coding-DNA position 2278, one base deleted (A; older notation c.2278delA).
Protein change: p.Met760fs; shifts the reading frame from methionine 760.
Molecular consequence: frameshift variant.
Genome position (GRCh38, 1-based): chr17:12,993,021, T deleted on the plus strand (A on the coding strand, the reverse complement: ELAC2 is on the minus strand); the first of 2 consecutive T bases (chr17:12,993,021-12,993,022); deleting either gives the same sequence. VCF-style (leftmost placement, unchanged base first): chr17-12993020-AT-A. GRCh37 (hg19) VCF-style: chr17-12896337-AT-A.
Other names: c.2158del, p.Met720fs (NM_001165962.2); c.2275del, p.Met759fs (NM_173717.2); short protein forms M720fs, M759fs, M760fs.
Identifiers: ClinVar variation 3656695 (VCV003656695.2).